The following is an entry in ClinVar:

ClinVar aggregate classification (germline): Pathogenic (1 of 4 stars; one submission).

Submission:

Labcorp Genetics (formerly Invitae), Labcorp
Classification: Pathogenic. Last evaluated: 2022-03-26. Review status: criteria provided, single submitter. Criteria: Invitae Variant Classification Sherloc (09022015). Collection method: clinical testing. Allele origin: germline.
Comment: For these reasons, this variant has been classified as Pathogenic. A similar copy number variant has been observed in individual(s) with primary ciliary dyskinesia (PMID: 31772028). This variant is a gross deletion of the genomic region encompassing exon(s) 2-3 of the DNAAF4 gene, which includes the initiator codon. This deletion extends beyond the assayed region for this gene and therefore may encompass additional genes. It is expected to result in an absent or disrupted protein product. Loss-of-function variants in DNAAF4 are known to be pathogenic (PMID: 23872636).

Literature cited by the submitters: PubMed 31772028; PubMed 23872636.

NC_000015.9:g.(?_55789890)_(55790527_?)del

Gene: DNAAF4 (dynein axonemal assembly factor 4; minus strand). Cytogenetic location: 15q21.3.
Variant type: Deletion.
Identifiers: ClinVar variation 2427198 (VCV002427198.4).